The following is an entry in ClinVar:

ClinVar aggregate classification (germline): Uncertain significance (1 of 4 stars; one submission).

Conditions:
Leigh syndrome (NULS). Also called: Leigh Disease; Subacute necrotizing encephalopathy; Necrotizing encephalopathy infantile subacute of Leigh; Leigh's necrotizing encephalopathy; Leigh's disease; LEIGH SYNDROME, NUCLEAR. Identifiers: Orphanet 506, MedGen C2931891, MONDO:0009723, OMIM 256000.

Submission:

Labcorp Genetics (formerly Invitae), Labcorp
Classification: Uncertain significance for Leigh syndrome. Last evaluated: 2021-12-13. Review status: criteria provided, single submitter. Criteria: Invitae Variant Classification Sherloc (09022015). Collection method: clinical testing. Allele origin: germline.
Comment: This sequence change replaces valine, which is neutral and non-polar, with alanine, which is neutral and non-polar, at codon 28 of the SURF1 protein (p.Val28Ala). This variant is not present in population databases (gnomAD no frequency). This variant has not been reported in the literature in individuals affected with SURF1-related conditions. Algorithms developed to predict the effect of missense changes on protein structure and function output the following: SIFT: "Tolerated"; PolyPhen-2: "Benign"; Align-GVGD: "Class C0". The alanine amino acid residue is found in multiple mammalian species, which suggests that this missense change does not adversely affect protein function. In summary, the available evidence is currently insufficient to determine the role of this variant in disease. Therefore, it has been classified as a Variant of Uncertain Significance.

NM_003172.4(SURF1):c.83T>C (p.Val28Ala)

Genes: SURF1 (SURF1 cytochrome c oxidase assembly factor; minus strand), LOC130002899 (ATAC-STARR-seq lymphoblastoid silent region 20452; plus strand). Cytogenetic location: 9q34.2.
Variant type: single nucleotide variant.
Coding change: c.83T>C on transcript NM_003172.4 (MANE Select); coding-DNA position 83, T replaced by C.
Protein change: p.Val28Ala; replaces valine 28 with alanine.
Molecular consequence: missense variant. On other transcripts: intron variant (1).
Genome position (GRCh38, 1-based): chr9:133,356,292, A>G on the plus strand (T>C on the coding strand, the complement: SURF1 is on the minus strand). VCF-style: chr9-133356292-A-G. GRCh37 (hg19) VCF-style: chr9-136223147-A-G.
Other names: c.-222+108T>C (NM_001280787.1); short protein forms V28A.
Identifiers: ClinVar variation 2041571 (VCV002041571.4), dbSNP rs2490627844, ClinGen allele CA375695051.
Genomic context (GRCh38, chr9:133,356,292, plus strand): 5'-CAGGCGCCTGGATCACAGCCCGGCCTGCAGCCCTCACCTGGGCGCGGGGAGACCCTGAGG[A>G]CGCTCCTCCAGGCGGCGCTGGCCGGGGCCTGCGGACACGGACGGGCGGGCTGAGCTCCGG-3'
Protein context (NP_003163.1, residues 18-38): RAPASAAWRS[Val28Ala]LRVSPRPGVA